The following is an entry in ClinVar:

ClinVar aggregate classification (germline): Uncertain significance (1 of 4 stars; one submission).

Conditions:
Inborn genetic diseases. Identifiers: MedGen C0950123, MeSH D030342.

Submission:

Ambry Genetics
Classification: Uncertain significance for Inborn genetic diseases. Last evaluated: 2025-01-25. Review status: criteria provided, single submitter. Criteria: Ambry Variant Classification Scheme 2023. Collection method: clinical testing. Allele origin: germline.
Comment: The p.L1211V variant (also known as c.3631C>G), located in coding exon 37 of the FANCA gene, results from a C to G substitution at nucleotide position 3631. The leucine at codon 1211 is replaced by valine, an amino acid with highly similar properties. This amino acid position is conserved. In addition, this alteration is predicted to be tolerated by in silico analysis. Based on the available evidence, the clinical significance of this variant remains unclear.

NM_000135.4(FANCA):c.3631C>G (p.Leu1211Val)

Gene: FANCA (FA complementation group A; minus strand). Cytogenetic location: 16q24.3.
Variant type: single nucleotide variant.
Coding change: c.3631C>G on transcript NM_000135.4 (MANE Select); coding-DNA position 3631, C replaced by G.
Protein change: p.Leu1211Val; replaces leucine 1211 with valine.
Molecular consequence: missense variant.
Genome position (GRCh38, 1-based): chr16:89,742,934, G>C on the plus strand (C>G on the coding strand, the complement: FANCA is on the minus strand). VCF-style: chr16-89742934-G-C. GRCh37 (hg19) VCF-style: chr16-89809342-G-C.
Other names: c.3631C>G, p.Leu1211Val (NM_001286167.3); short protein forms L1211V.
Identifiers: ClinVar variation 3848145 (VCV003848145.1).